The following is an entry in ClinVar:

NM_000051.4(ATM):c.5275C>A (p.Pro1759Thr)

Gene: ATM (ATM serine/threonine kinase; plus strand). Cytogenetic location: 11q22.3.
Variant type: single nucleotide variant.
Coding change: c.5275C>A on transcript NM_000051.4 (MANE Select); coding-DNA position 5275, C replaced by A.
Protein change: p.Pro1759Thr; replaces proline 1759 with threonine.
Molecular consequence: missense variant.
Genome position (GRCh38, 1-based): chr11:108,301,745, C>A. VCF-style: chr11-108301745-C-A. GRCh37 (hg19) VCF-style: chr11-108172472-C-A.
Other names: c.5275C>A, p.Pro1759Thr (NM_001351834.2); short protein forms P1759T.
Identifiers: ClinVar variation 3326589 (VCV003326589.1).

ClinVar aggregate classification (germline): Uncertain significance (1 of 4 stars; one submission).

Conditions:
Hereditary cancer-predisposing syndrome. Also called: Neoplastic Syndromes, Hereditary; Tumor predisposition; Hereditary neoplastic syndrome; Hereditary Cancer Syndrome. Identifiers: Orphanet 140162, MedGen C0027672, MeSH D009386, MONDO:0015356.

Submission:

Ambry Genetics
Classification: Uncertain significance for Hereditary cancer-predisposing syndrome. Last evaluated: 2024-06-11. Review status: criteria provided, single submitter. Criteria: Ambry Variant Classification Scheme 2023. Collection method: clinical testing. Allele origin: germline.
Comment: The p.P1759T variant (also known as c.5275C>A), located in coding exon 34 of the ATM gene, results from a C to A substitution at nucleotide position 5275. The proline at codon 1759 is replaced by threonine, an amino acid with highly similar properties. This amino acid position is highly conserved in available vertebrate species. In addition, the in silico prediction for this alteration is inconclusive. Based on the available evidence, the clinical significance of this variant remains unclear.